The following is an entry in ClinVar:

NM_001144757.3(SCG5):c.106T>C (p.Ser36Pro)

Genes: ARHGAP11A-SCG5 (ARHGAP11A-SCG5 readthrough; plus strand), SCG5 (secretogranin V; plus strand). Cytogenetic location: 15q13.3.
Variant type: single nucleotide variant.
Coding change: c.106T>C on transcript NM_001144757.3 (MANE Select); coding-DNA position 106, T replaced by C.
Protein change: p.Ser36Pro; replaces serine 36 with proline.
Molecular consequence: missense variant.
Genome position (GRCh38, 1-based): chr15:32,643,698, T>C. VCF-style: chr15-32643698-T-C. GRCh37 (hg19) VCF-style: chr15-32935899-T-C.
Other names: c.1348T>C, p.Ser450Pro (NM_001368319.1); c.106T>C, p.Ser36Pro (NM_001394278.1, NM_001394279.1, NM_003020.5); short protein forms S36P, S450P.
Identifiers: ClinVar variation 5029059 (VCV005029059.1).
Genomic context (GRCh38, chr15:32,643,698, plus strand): 5'-TGGCTGGCATCTGGATGGACTCCAGCATTTGCTTACAGCCCCCGGACCCCTGACCGGGTC[T>C]CAGAAGCAGATATCCAGAGGCTGCTTCATGGTGTTATGGAGCAATTGGGCATTGCCAGGC-3'
Protein context (NP_001138229.1, residues 26-46): AYSPRTPDRV[Ser36Pro]EADIQRLLHG

ClinVar aggregate classification (germline): Uncertain significance (1 of 4 stars; one submission).

gnomAD v4.1: 236 of 1,613,926 alleles (0.015%); highest among the groups gnomAD compares: African/African-American, 0.3%; no homozygotes.

Submission:

Ambry Genetics
Classification: Uncertain significance. Last evaluated: 2026-07-02. Review status: criteria provided, single submitter. Criteria: Ambry Variant Classification Scheme 2023. Collection method: clinical testing. Allele origin: germline.
Comment: The p.S36P variant (also known as c.106T>C), located in coding exon 1 of the SCG5 gene, results from a T to C substitution at nucleotide position 106. The serine at codon 36 is replaced by proline, an amino acid with similar properties. This amino acid position is conserved. In addition, the in silico prediction for this alteration is inconclusive. Based on the available evidence, the clinical significance of this variant remains unclear.